The following is an entry in ClinVar:

ClinVar aggregate classification (germline): Uncertain significance (1 of 4 stars; one submission).

Conditions:
Hypertrophic cardiomyopathy. Also called: HYPERTROPHIC MYOCARDIOPATHY. Identifiers: Orphanet 217569, MedGen C0007194, MeSH D002312, MONDO:0005045, HP:0001639.

Submission:

Labcorp Genetics (formerly Invitae), Labcorp
Classification: Uncertain significance for Hypertrophic cardiomyopathy. Last evaluated: 2023-10-13. Review status: criteria provided, single submitter. Criteria: Invitae Variant Classification Sherloc (09022015). Collection method: clinical testing. Allele origin: germline.
Comment: This sequence change replaces histidine, which is basic and polar, with glutamine, which is neutral and polar, at codon 1553 of the MYH7 protein (p.His1553Gln). This variant is not present in population databases (gnomAD no frequency). This variant has not been reported in the literature in individuals affected with MYH7-related conditions. Advanced modeling of protein sequence and biophysical properties (such as structural, functional, and spatial information, amino acid conservation, physicochemical variation, residue mobility, and thermodynamic stability) has been performed at Invitae for this missense variant, however the output from this modeling did not meet the statistical confidence thresholds required to predict the impact of this variant on MYH7 protein function. In summary, the available evidence is currently insufficient to determine the role of this variant in disease. Therefore, it has been classified as a Variant of Uncertain Significance.

NM_000257.4(MYH7):c.4659C>G (p.His1553Gln)

Genes: MHRT (myosin heavy chain associated RNA transcript; plus strand), MYH7 (myosin heavy chain 7; minus strand), LOC126861897 (BRD4-independent group 4 enhancer GRCh37_chr14:23884455-23885654; plus strand). Cytogenetic location: 14q11.2.
Variant type: single nucleotide variant.
Coding change: c.4659C>G on transcript NM_000257.4 (MANE Select); coding-DNA position 4659, C replaced by G.
Protein change: p.His1553Gln; replaces histidine 1553 with glutamine.
Molecular consequence: missense variant.
Genome position (GRCh38, 1-based): chr14:23,416,298, G>C on the plus strand (C>G on the coding strand, the complement: MYH7 is on the minus strand). VCF-style: chr14-23416298-G-C. GRCh37 (hg19) VCF-style: chr14-23885507-G-C.
Other names: c.4659C>G, p.His1553Gln (NM_001407004.1); short protein forms H1553Q.
Identifiers: ClinVar variation 2805702 (VCV002805702.3), dbSNP rs570079347, ClinGen allele CA389037913.